The following is an entry in ClinVar:

ClinVar aggregate classification (germline): Benign. Review status: criteria provided, multiple submitters, no conflicts (2 of 4 stars). 3 submissions from 3 submitters: Benign (2). 1 of the submissions does not count toward it. Last evaluated 2019-12-31.

Conditions:
ACACB-related disorder. Also called: ACACB-related condition.

Allele frequency attached by ClinVar (database versions not stated): 1000 Genomes Project 0.00559; gnomAD exomes 0.00060 and 0.00139; ExAC 0.00190; ESP Exome Variant Server 0.00415; gnomAD 0.00501 and 0.00531; TOPMed 0.00546; 1000 Genomes Project 30x 0.00547.
gnomAD v4.1: 1,676 of 1,611,894 alleles (0.1%); highest among the groups gnomAD compares: African/African-American, 1.7%; 9 homozygotes.

Submissions (3):

Labcorp Genetics (formerly Invitae), Labcorp
Classification: Benign. Last evaluated: 2019-12-31. Review status: criteria provided, single submitter. Criteria: Invitae Variant Classification Sherloc (09022015). Collection method: clinical testing. Allele origin: germline.

Breakthrough Genomics
Classification: Benign. Review status: criteria provided, single submitter. Criteria: ACMG Guidelines, 2015. Collection method: not provided. Allele origin: germline. Inheritance: Unknown mechanism. Affected: yes.

PreventionGenetics, part of Exact Sciences
Classification: Benign for ACACB-related condition. Last evaluated: 2019-04-11. Review status: no assertion criteria provided. Collection method: clinical testing. Allele origin: germline. Not counted in ClinVar's aggregate classification.
Comment: This variant is classified as benign based on ACMG/AMP sequence variant interpretation guidelines (Richards et al. 2015 PMID: 25741868, with internal and published modifications).

NM_001093.4(ACACB):c.4335C>T (p.Phe1445=)

Gene: ACACB (acetyl-CoA carboxylase beta; plus strand). Cytogenetic location: 12q24.11.
Variant type: single nucleotide variant.
Coding change: c.4335C>T on transcript NM_001093.4 (MANE Select); coding-DNA position 4335, C replaced by T.
Protein change: p.Phe1445=; no amino-acid change (phenylalanine 1445 retained).
Molecular consequence: synonymous variant.
Genome position (GRCh38, 1-based): chr12:109,234,033, C>T. VCF-style: chr12-109234033-C-T. GRCh37 (hg19) VCF-style: chr12-109671838-C-T.
Identifiers: ClinVar variation 727380 (VCV000727380.7), dbSNP rs115320291, ClinGen allele CA6774338.